The following is an entry in ClinVar:

ClinVar aggregate classification (germline): Uncertain significance (1 of 4 stars; one submission).

Submission:

Labcorp Genetics (formerly Invitae), Labcorp
Classification: Uncertain significance. Last evaluated: 2024-08-09. Review status: criteria provided, single submitter. Criteria: Invitae Variant Classification Sherloc (09022015). Collection method: clinical testing. Allele origin: germline.
Comment: This sequence change creates a premature translational stop signal (p.Glu56*) in the MFAP5 gene. It is expected to result in an absent or disrupted protein product. However, the current clinical and genetic evidence is not sufficient to establish whether loss-of-function variants in MFAP5 cause disease. This variant is not present in population databases (gnomAD no frequency). This variant has not been reported in the literature in individuals affected with MFAP5-related conditions. In summary, the available evidence is currently insufficient to determine the role of this variant in disease. Therefore, it has been classified as a Variant of Uncertain Significance.

NM_003480.4(MFAP5):c.166G>T (p.Glu56Ter)

Gene: MFAP5 (microfibril associated protein 5; minus strand). Cytogenetic location: 12p13.31.
Variant type: single nucleotide variant.
Coding change: c.166G>T on transcript NM_003480.4 (MANE Select); coding-DNA position 166, G replaced by T.
Protein change: p.Glu56Ter; replaces glutamic acid 56 with a stop codon.
Molecular consequence: nonsense. On other transcripts: non-coding transcript variant (2).
Genome position (GRCh38, 1-based): chr12:8,655,421, C>A on the plus strand (G>T on the coding strand, the complement: MFAP5 is on the minus strand). VCF-style: chr12-8655421-C-A. GRCh37 (hg19) VCF-style: chr12-8808017-C-A.
Other names: c.166G>T, p.Glu56Ter (NM_001297709.2, NM_001297711.2, NM_001297712.2); c.130G>T, p.Glu44Ter (NM_001297710.2); short protein forms E44*, E56*.
Identifiers: ClinVar variation 3661854 (VCV003661854.2).